The following is an entry in ClinVar:

NM_000210.4(ITGA6):c.1945C>G (p.Gln649Glu)

Genes: ITGA6 (integrin subunit alpha 6; plus strand), PDK1-AS1 (PDK1 and ITGA6 antisense RNA 1; minus strand). Cytogenetic location: 2q31.1.
Variant type: single nucleotide variant.
Coding change: c.1945C>G on transcript NM_000210.4 (MANE Select); coding-DNA position 1945, C replaced by G.
Protein change: p.Gln649Glu; replaces glutamine 649 with glutamic acid.
Molecular consequence: missense variant.
Genome position (GRCh38, 1-based): chr2:172,487,113, C>G. VCF-style: chr2-172487113-C-G. GRCh37 (hg19) VCF-style: chr2-173351841-C-G.
Other names: c.1945C>G, p.Gln649Glu (NM_001079818.3, NM_001365529.2, NM_001365530.2); c.1588C>G, p.Gln530Glu (NM_001316306.2); c.2062C>G, p.Gln688Glu (NM_001394928.1); short protein forms Q530E, Q688E, Q649E.
Identifiers: ClinVar variation 2831706 (VCV002831706.3), dbSNP rs2468374659, ClinGen allele CA349293345.
Genomic context (GRCh38, chr2:172,487,113, plus strand): 5'-GACAATGTATGTAACAGCAACCTTAAACTAGAATATAAATTTTGCACCCGAGAAGGAAAT[C>G]AAGACAAATTTTCTTATTTACCAATGTAAGAATCGTTGTGTAGCACTAGCAAAAATGATT-3'
Protein context (NP_000201.2, residues 639-659): EYKFCTREGN[Gln649Glu]DKFSYLPIQK

ClinVar aggregate classification (germline): Uncertain significance (1 of 4 stars; one submission).

Submission:

Labcorp Genetics (formerly Invitae), Labcorp
Classification: Uncertain significance. Last evaluated: 2023-08-10. Review status: criteria provided, single submitter. Criteria: Invitae Variant Classification Sherloc (09022015). Collection method: clinical testing. Allele origin: germline.
Comment: This variant is not present in population databases (gnomAD no frequency). This sequence change replaces glutamine, which is neutral and polar, with glutamic acid, which is acidic and polar, at codon 649 of the ITGA6 protein (p.Gln649Glu). This variant has not been reported in the literature in individuals affected with ITGA6-related conditions. An algorithm developed to predict the effect of missense changes on protein structure and function (PolyPhen-2) suggests that this variant is likely to be tolerated. In summary, the available evidence is currently insufficient to determine the role of this variant in disease. Therefore, it has been classified as a Variant of Uncertain Significance.